The following is an entry in ClinVar:

ClinVar aggregate classification (germline): Uncertain significance (1 of 4 stars; one submission).

Submission:

GeneDx
Classification: Uncertain significance. Last evaluated: 2024-08-23. Review status: criteria provided, single submitter. Criteria: GeneDx Variant Classification Process June 2021. Collection method: clinical testing. Allele origin: germline. Affected: yes.
Comment: Not observed at significant frequency in large population cohorts (gnomAD); Frameshift variant predicted to result in abnormal protein length as the last 26 amino acids are replaced with 61 different amino acids; Has not been previously published as pathogenic or benign to our knowledge; Reported using an alternate transcript of the gene

NM_145239.3(PRRT2):c.1013-71del

Genes: MVP-DT (MVP divergent transcript; minus strand), PRRT2 (proline rich transmembrane protein 2; plus strand). Cytogenetic location: 16p11.2.
Variant type: Deletion.
Coding change: c.1013-71del on transcript NM_145239.3 (MANE Select); 71 bases into the intron before coding-DNA position 1013, one base deleted (C; older notation c.1013-71delC).
Molecular consequence: intron variant. On other transcripts: frameshift variant (1), 3 prime UTR variant (1).
Genome position (GRCh38, 1-based): chr16:29,814,557, C deleted; the last of 2 consecutive C bases (chr16:29,814,556-29,814,557); deleting either gives the same sequence. VCF-style (leftmost placement, unchanged base first): chr16-29814555-TC-T. GRCh37 (hg19) VCF-style: chr16-29825876-TC-T.
Other names: c.1104del, p.Ser369fs (NM_001256442.2); c.*603del (NM_001256443.2); short protein forms S369fs.
Identifiers: ClinVar variation 3764359 (VCV003764359.1).